The following is an entry in ClinVar:

NM_001042492.3(NF1):c.661dup (p.Trp221fs)

Gene: NF1 (neurofibromin 1; plus strand). Cytogenetic location: 17q11.2.
Variant type: Duplication.
Coding change: c.661dup on transcript NM_001042492.3 (MANE Select); coding-DNA position 661, one base duplicated (T; older notation c.661dupT).
Protein change: p.Trp221fs; shifts the reading frame from tryptophan 221.
Molecular consequence: frameshift variant.
Genome position (GRCh38, 1-based): chr17:31,181,716, T duplicated; the last of 4 consecutive T bases (chr17:31,181,713-31,181,716); duplicating any one gives the same sequence. VCF-style (leftmost placement, unchanged base first): chr17-31181712-A-AT. GRCh37 (hg19) VCF-style: chr17-29508730-A-AT.
Other names: c.661dup, p.Trp221Leufs (NM_000267.4); c.661dup, p.Trp221fs (NM_001128147.3); short protein forms W221fs.
Identifiers: ClinVar variation 2731280 (VCV002731280.3), dbSNP rs2143777361, ClinGen allele CA2697559667.
Genomic context (GRCh38, chr17:31,181,712, plus strand): 5'-ATTTTATTTACTGTATTACAAAAAATCACTGTAAAGACATGTGGTTCTTTATTTATAGGC[A>AT]TTTTGGAACTGGGTAGAAAATTATCCAGATGAATTTACAAAACTGTACCAGATCCCACAG-3'

ClinVar aggregate classification (germline): Pathogenic (1 of 4 stars; one submission).

Conditions:
Neurofibromatosis, type 1 (NF1). Also called: Neurofibromatosis, type I; NEUROFIBROMATOSIS, TYPE I, SOMATIC; Peripheral type neurofibromatosis; VON RECKLINGHAUSEN DISEASE. Identifiers: Orphanet 636, MedGen C0027831, MONDO:0018975, OMIM 162200. Disease mechanism: loss of function.

Submission:

Labcorp Genetics (formerly Invitae), Labcorp
Classification: Pathogenic for Neurofibromatosis, type 1. Last evaluated: 2023-06-27. Review status: criteria provided, single submitter. Criteria: Invitae Variant Classification Sherloc (09022015). Collection method: clinical testing. Allele origin: germline.
Comment: For these reasons, this variant has been classified as Pathogenic. This variant has not been reported in the literature in individuals affected with NF1-related conditions. This variant is not present in population databases (gnomAD no frequency). This sequence change creates a premature translational stop signal (p.Trp221Leufs*10) in the NF1 gene. It is expected to result in an absent or disrupted protein product. Loss-of-function variants in NF1 are known to be pathogenic (PMID: 10712197, 23913538).

Literature cited by the submitters: PubMed 10712197; PubMed 23913538.